The following is an entry in ClinVar:

ClinVar aggregate classification (germline): Pathogenic. Review status: criteria provided, multiple submitters, no conflicts (2 of 4 stars). 3 submissions from 3 submitters: Pathogenic (2). 1 of the submissions does not count toward it. Last evaluated 2023-02-27.

Conditions:
Glutaric aciduria, type 1. Also called: Glutaryl-CoA dehydrogenase deficiency; Glutaricaciduria, type I; GA I; Glutaric Acidemia Type 1; Glutaric acidemia type I; Glutaricacidemia Type 1. Identifiers: Orphanet 25, MedGen C0268595, MONDO:0009281, OMIM 231670.

Allele frequency attached by ClinVar (database versions not stated): gnomAD 0.00001.
gnomAD v4.1: 1 of 1,613,718 alleles (0.000062%); highest among the groups gnomAD compares: African/African-American, 0.0013%; no homozygotes.

Submissions (3):

Labcorp Genetics (formerly Invitae), Labcorp
Classification: Pathogenic for Glutaric aciduria, type 1. Last evaluated: 2023-02-27. Review status: criteria provided, single submitter. Criteria: Invitae Variant Classification Sherloc (09022015). Collection method: clinical testing. Allele origin: germline.
Comment: For these reasons, this variant has been classified as Pathogenic. ClinVar contains an entry for this variant (Variation ID: 556692). This premature translational stop signal has been observed in individual(s) with glutaric acidemia type I (PMID: 27397597). This variant is not present in population databases (gnomAD no frequency). This sequence change creates a premature translational stop signal (p.Gln333*) in the GCDH gene. It is expected to result in an absent or disrupted protein product. Loss-of-function variants in GCDH are known to be pathogenic (PMID: 10699052, 11854167, 16602100).

Baylor Genetics
Classification: Pathogenic for Glutaric aciduria, type 1. Last evaluated: 2023-01-09. Review status: criteria provided, single submitter. Criteria: ACMG Guidelines, 2015. Collection method: clinical testing. Allele origin: unknown.

Counsyl
Classification: Likely pathogenic for Glutaric aciduria, type 1. Last evaluated: 2018-02-13. Review status: no assertion criteria provided. Collection method: clinical testing. Allele origin: unknown. Not counted in ClinVar's aggregate classification.

Literature cited by the submitters: PubMed 27397597 (cited by Labcorp Genetics (formerly Invitae), Labcorp and Counsyl); PubMed 10699052 (cited by Labcorp Genetics (formerly Invitae), Labcorp); PubMed 11854167 (cited by Labcorp Genetics (formerly Invitae), Labcorp); PubMed 16602100 (cited by Labcorp Genetics (formerly Invitae), Labcorp).

NM_000159.4(GCDH):c.997C>T (p.Gln333Ter)

Gene: GCDH (glutaryl-CoA dehydrogenase; plus strand). Cytogenetic location: 19p13.13.
Variant type: single nucleotide variant.
Coding change: c.997C>T on transcript NM_000159.4 (MANE Select); coding-DNA position 997, C replaced by T.
Protein change: p.Gln333Ter; replaces glutamine 333 with a stop codon.
Molecular consequence: nonsense. On other transcripts: non-coding transcript variant (2).
Genome position (GRCh38, 1-based): chr19:12,897,343, C>T. VCF-style: chr19-12897343-C-T. GRCh37 (hg19) VCF-style: chr19-13008157-C-T.
Other names: c.997C>T, p.Gln333Ter (NM_013976.5); short protein forms Q333*.
Identifiers: ClinVar variation 556692 (VCV000556692.6), dbSNP rs794726972, ClinGen allele CA404319938.
Genomic context (GRCh38, chr19:12,897,343, plus strand): 5'-CCCTGCCATTGCCCATGTAGGATGCAGTTTGGTGTCCCACTGGCCAGGAACCAGCTGATT[C>T]AGAAGAAGCTGGCAGACATGCTCACTGAGATTACCCTGGGCCTTCACGCCTGCCTGCAGC-3'